The following is an entry in ClinVar:

ClinVar aggregate classification (germline): Conflicting classifications of pathogenicity. Review status: criteria provided, conflicting classifications (1 of 4 stars). 7 submissions from 7 submitters: Uncertain significance (5); Likely benign (1). 1 of the submissions does not count toward it. Last evaluated 2026-07-13.

Conditions:
Hereditary cancer-predisposing syndrome. Also called: Tumor predisposition; Hereditary neoplastic syndrome; Hereditary Cancer Syndrome; Neoplastic Syndromes, Hereditary. Identifiers: Orphanet 140162, MedGen C0027672, MeSH D009386, MONDO:0015356.
Multiple endocrine neoplasia, type 1 (MEN1). Also called: WERMER SYNDROME; Endocrine adenomatosis multiple; MEN 1; MEN I; MEA I. Identifiers: Orphanet 652, MedGen C0025267, MeSH D018761, MONDO:0007540, OMIM 131100.

Allele frequency attached by ClinVar (database versions not stated): gnomAD exomes below 0.00001; TOPMed 0.00001; gnomAD 0.00001.
gnomAD v4.1: 2 of 1,596,184 alleles (0.00013%); highest among the groups gnomAD compares: Admixed American, 0.0034%; no homozygotes.

Submissions (7):

Ambry Genetics
Classification: Uncertain significance for Hereditary cancer-predisposing syndrome. Last evaluated: 2026-07-13. Review status: criteria provided, single submitter. Criteria: Ambry Variant Classification Scheme 2023. Collection method: clinical testing. Allele origin: germline.
Comment: The p.P489S variant (also known as c.1465C>T), located in coding exon 9 of the MEN1 gene, results from a C to T substitution at nucleotide position 1465. The proline at codon 489 is replaced by serine, an amino acid with similar properties. This amino acid position is well conserved in available vertebrate species. In addition, the in silico prediction for this alteration is inconclusive. Based on the available evidence, the clinical significance of this variant remains unclear.

Labcorp Genetics (formerly Invitae), Labcorp
Classification: Likely benign for Multiple endocrine neoplasia, type 1. Last evaluated: 2025-10-23. Review status: criteria provided, single submitter. Criteria: Invitae Variant Classification Sherloc (09022015). Collection method: clinical testing. Allele origin: germline.

Quest Diagnostics Nichols Institute San Juan Capistrano
Classification: Uncertain significance. Last evaluated: 2024-05-13. Review status: criteria provided, single submitter. Criteria: Quest Diagnostics criteria. Collection method: clinical testing. Allele origin: unknown.

Baylor Genetics
Classification: Uncertain significance for Multiple Endocrine Neoplasia Type 1. Last evaluated: 2023-11-14. Review status: criteria provided, single submitter. Criteria: ACMG Guidelines, 2015. Collection method: clinical testing. Allele origin: unknown.

All of Us Research Program, National Institutes of Health
Classification: Uncertain significance for Multiple endocrine neoplasia, type 1. Last evaluated: 2023-05-16. Review status: criteria provided, single submitter. Criteria: ACMG Guidelines, 2015. Collection method: clinical testing. Allele origin: germline. Inheritance: Autosomal dominant inheritance. Observed: 1 variant allele, 1 heterozygote.
Comment: This missense variant replaces proline with serine at codon 489 of the MEN1 protein. Computational prediction suggests that this variant may not impact protein structure and function (internally defined REVEL score threshold <= 0.5, PMID: 27666373). To our knowledge, functional studies have not been reported for this variant. This variant has not been reported in individuals affected with MEN1-related disorders in the literature. This variant has been identified in 1/216848 chromosomes in the general population by the Genome Aggregation Database (gnomAD). The available evidence is insufficient to determine the role of this variant in disease conclusively. Therefore, this variant is classified as a Variant of Uncertain Significance.

This study involves interpretation of variants in research participants for the purpose of population health screening. Participant phenotype was not available at the time of variant classification. Additional details can be found in publication PMID: 35346344, PMCID: PMC8962531

Institute for Genomic Medicine (IGM) Clinical Laboratory, Nationwide Children's Hospital
Classification: Uncertain significance for Multiple endocrine neoplasia, type 1. Last evaluated: 2023-03-13. Review status: criteria provided, single submitter. Criteria: ACMG Guidelines, 2015. Collection method: clinical testing. Allele origin: germline.
Comment: This variant is absent from or present at an exceedingly low frequency in gnomAD, a large-scale control population database (ACMG/AMP: PM2). This variant results in a missense alteration in a gene for which primarily truncating variants are known to cause disease (ACMG/AMP: BP1).

ITMI
No classification provided. Condition: AllHighlyPenetrant. Last evaluated: 2013-09-19. Review status: no classification provided. Collection method: reference population. Allele origin: germline. Not counted in ClinVar's aggregate classification.
Comment: Please see associated publication for description of ethnicities

Literature cited by the submitters: PubMed 24728327 (cited by ITMI).

NM_001370259.2(MEN1):c.1465C>T (p.Pro489Ser)

Gene: MEN1 (menin 1; minus strand). Cytogenetic location: 11q13.1.
Variant type: single nucleotide variant.
Coding change: c.1465C>T on transcript NM_001370259.2 (MANE Select); coding-DNA position 1465, C replaced by T.
Protein change: p.Pro489Ser; replaces proline 489 with serine.
Molecular consequence: missense variant.
Genome position (GRCh38, 1-based): chr11:64,804,702, G>A on the plus strand (C>T on the coding strand, the complement: MEN1 is on the minus strand). VCF-style: chr11-64804702-G-A. GRCh37 (hg19) VCF-style: chr11-64572174-G-A.
Other names: c.1480C>T, p.Pro494Ser (NM_000244.4, NM_130800.3, NM_130801.3 and 3 more transcripts); c.1591C>T, p.Pro531Ser (NM_001370251.2); c.1465C>T, p.Pro489Ser (NM_001370260.2, NM_001370261.2, NM_130799.3); c.1360C>T, p.Pro454Ser (NM_001370262.2, NM_001370263.2); short protein forms P489S, P494S, P531S, P454S.
Identifiers: ClinVar variation 134641 (VCV000134641.14), dbSNP rs587778440, ClinGen allele CA009174.